The following is an entry in ClinVar:

NM_001866.3(COX7B):c.48C>A (p.Ser16Arg)

Gene: COX7B (cytochrome c oxidase subunit 7B; plus strand). Cytogenetic location: Xq21.1.
Variant type: single nucleotide variant.
Coding change: c.48C>A on transcript NM_001866.3 (MANE Select); coding-DNA position 48, C replaced by A.
Protein change: p.Ser16Arg; replaces serine 16 with arginine.
Molecular consequence: missense variant.
Genome position (GRCh38, 1-based): chrX:77,902,650, C>A. VCF-style: chrX-77902650-C-A. GRCh37 (hg19) VCF-style: chrX-77158147-C-A.
Other names: c.48C>A, p.Ser16Arg (LRG_1250t1); short protein forms S16R.
Identifiers: ClinVar variation 381408 (VCV000381408.16), dbSNP rs61752458, ClinGen allele CA10458670.
Genomic context (GRCh38, chrX:77,902,650, plus strand): 5'-TTACCTGACAATTGATAATATGCTTCTGTATTCTTTTTTCGTTTTCCTGTAAGTTCGAAG[C>A]ATTCAGCAAACAATGGCAAGGCAGAGCCACCAGAAACGTACACCTGATTTTCATGACAAA-3'
Protein context (NP_001857.1, residues 6-26): KSALNRLQVR[Ser16Arg]IQQTMARQSH

ClinVar aggregate classification (germline): Benign. Review status: criteria provided, multiple submitters, no conflicts (2 of 4 stars). 4 submissions from 4 submitters: Benign (3). 1 of the submissions does not count toward it. Last evaluated 2026-01-17.

Allele frequency attached by ClinVar (database versions not stated): gnomAD exomes 0.00092 and 0.00255; ExAC 0.00319; gnomAD 0.00824 and 0.00867; TOPMed 0.00912; ESP Exome Variant Server 0.00956; 1000 Genomes Project 0.01298; 1000 Genomes Project 30x 0.01457.
gnomAD v4.1: 1,976 of 1,207,750 alleles (0.16%); highest among the groups gnomAD compares: African/African-American, 2.9%; 21 homozygotes.

Submissions (4):

Labcorp Genetics (formerly Invitae), Labcorp
Classification: Benign. Last evaluated: 2026-01-17. Review status: criteria provided, single submitter. Criteria: Invitae Variant Classification Sherloc (09022015). Collection method: clinical testing. Allele origin: germline.

GeneDx
Classification: Benign. Last evaluated: 2016-05-17. Review status: criteria provided, single submitter. Criteria: GeneDx Variant Classification (06012015). Collection method: clinical testing. Allele origin: germline. Affected: yes.
Comment: This variant is considered likely benign or benign based on one or more of the following criteria: it is a conservative change, it occurs at a poorly conserved position in the protein, it is predicted to be benign by multiple in silico algorithms, and/or has population frequency not consistent with disease.

Breakthrough Genomics
Classification: Benign. Review status: criteria provided, single submitter. Criteria: ACMG Guidelines, 2015. Collection method: not provided. Allele origin: germline. Inheritance: X-linked inheritance. Affected: yes.

Mayo Clinic Laboratories, Mayo Clinic
Classification: Benign. Last evaluated: 2017-09-15. Review status: no assertion criteria provided. Collection method: clinical testing. Allele origin: unknown. Not counted in ClinVar's aggregate classification.